The following is an entry in ClinVar:

ClinVar aggregate classification (germline): Conflicting classifications of pathogenicity. Review status: criteria provided, conflicting classifications (1 of 4 stars). 2 submissions from 2 submitters: Uncertain significance (1); Likely benign (1). Last evaluated 2025-11-10.

Conditions:
ARID1A-related disorder. Also called: ARID1A-related condition.

Allele frequency attached by ClinVar (database versions not stated): TOPMed 0.00002.

Submissions (2):

Labcorp Genetics (formerly Invitae), Labcorp
Classification: Likely benign. Last evaluated: 2025-11-10. Review status: criteria provided, single submitter. Criteria: Invitae Variant Classification Sherloc (09022015). Collection method: clinical testing. Allele origin: germline.

PreventionGenetics, part of Exact Sciences
Classification: Uncertain significance for ARID1A-related condition. Last evaluated: 2023-08-16. Review status: criteria provided, single submitter. Criteria: ACMG Guidelines, 2015. Collection method: clinical testing. Allele origin: germline.
Comment: The ARID1A c.2269C>G variant is predicted to result in the amino acid substitution p.Pro757Ala. To our knowledge, this variant has not been reported in the literature or in a large population database, indicating this variant is rare. At this time, the clinical significance of this variant is uncertain due to the absence of conclusive functional and genetic evidence.

NM_006015.6(ARID1A):c.2269C>G (p.Pro757Ala)

Gene: ARID1A (AT-rich interaction domain 1A; plus strand). Cytogenetic location: 1p36.11.
Variant type: single nucleotide variant.
Coding change: c.2269C>G on transcript NM_006015.6 (MANE Select); coding-DNA position 2269, C replaced by G.
Protein change: p.Pro757Ala; replaces proline 757 with alanine.
Molecular consequence: missense variant.
Genome position (GRCh38, 1-based): chr1:26,762,169, C>G. VCF-style: chr1-26762169-C-G. GRCh37 (hg19) VCF-style: chr1-27088660-C-G.
Other names: c.2269C>G, p.Pro757Ala (NM_139135.4); short protein forms P757A.
Identifiers: ClinVar variation 2631414 (VCV002631414.4), dbSNP rs2080998350, ClinGen allele CA339155109.